The following is an entry in ClinVar:

NM_012064.4(MIP):c.*94T>G

Gene: MIP (major intrinsic protein of lens fiber; minus strand). Cytogenetic location: 12q13.3.
Variant type: single nucleotide variant.
Coding change: c.*94T>G on transcript NM_012064.4 (MANE Select); 94 bases downstream of the stop codon, T replaced by G.
Molecular consequence: 3 prime UTR variant.
Genome position (GRCh38, 1-based): chr12:56,451,186, A>C on the plus strand (T>G on the coding strand, the complement: MIP is on the minus strand). VCF-style: chr12-56451186-A-C. GRCh37 (hg19) VCF-style: chr12-56844970-A-C.
Identifiers: ClinVar variation 309883 (VCV000309883.8), dbSNP rs2935008, ClinGen allele CA10642913.

ClinVar aggregate classification (germline): Benign. Review status: criteria provided, multiple submitters, no conflicts (2 of 4 stars). 3 submissions from 3 submitters: Benign (3). Last evaluated 2018-06-29.

Conditions:
Cataract 15 multiple types. Also called: CATARACT 15, LAMELLAR WITH SUTURAL OPACITIES. Identifiers: Orphanet 91492, MedGen C3809001, MONDO:0014110, OMIM 615274.

Allele frequency attached by ClinVar (database versions not stated): TOPMed 0.97123; gnomAD 0.97210 and 0.97416; 1000 Genomes Project 0.97224; gnomAD exomes 0.99717.
gnomAD v4.1: 1,016,509 of 1,022,970 alleles (99%); highest among the groups gnomAD compares: East Asian, 100%; 505,298 homozygotes.

Submissions (3):

GeneDx
Classification: Benign. Last evaluated: 2018-06-29. Review status: criteria provided, single submitter. Criteria: GeneDx Variant Classification Process June 2021. Collection method: clinical testing. Allele origin: germline. Affected: yes.

Illumina Laboratory Services, Illumina
Classification: Benign for Cataract 15 multiple types. Last evaluated: 2017-04-27. Review status: criteria provided, single submitter. Criteria: ICSL Variant Classification Criteria 13 December 2019. Collection method: clinical testing. Allele origin: germline.
Comment: This variant was observed as part of a predisposition screen in an ostensibly healthy population. A literature search was performed for the gene, cDNA change, and amino acid change (where applicable). No publications were found based on this search. Allele frequency data from public databases was too high to be consistent with this variant causing disease. Therefore, this variant is classified as benign.

Breakthrough Genomics
Classification: Benign. Review status: criteria provided, single submitter. Criteria: ACMG Guidelines, 2015. Collection method: not provided. Allele origin: germline. Inheritance: Autosomal dominant inheritance. Affected: yes.